The following is an entry in ClinVar:

NM_201550.4(LRRC10):c.377T>C (p.Leu126Pro)

Gene: LRRC10 (leucine rich repeat containing 10; minus strand). Cytogenetic location: 12q15.
Variant type: single nucleotide variant.
Coding change: c.377T>C on transcript NM_201550.4 (MANE Select); coding-DNA position 377, T replaced by C.
Protein change: p.Leu126Pro; replaces leucine 126 with proline.
Molecular consequence: missense variant.
Genome position (GRCh38, 1-based): chr12:69,610,462, A>G on the plus strand (T>C on the coding strand, the complement: LRRC10 is on the minus strand). VCF-style: chr12-69610462-A-G. GRCh37 (hg19) VCF-style: chr12-70004242-A-G.
Other names: short protein forms L126P.
Identifiers: ClinVar variation 4794252 (VCV004794252.1).
Genomic context (GRCh38, chr12:69,610,462, plus strand): 5'-AGGAGACTCAGCTCACAGACCACATCCGGCAGCTGGGTGAGGCAGTTGGCCTCGATCCAC[A>G]GGGTCCTGAGGTTCTGGAGCAGGCTCAGCTCACTGGGGAGGTCGCAGAGTTTGTTGTTGC-3'
Protein context (NP_963844.2, residues 116-136): ELSLLQNLRT[Leu126Pro]WIEANCLTQL

ClinVar aggregate classification (germline): Uncertain significance (1 of 4 stars; one submission).

Submission:

Labcorp Genetics (formerly Invitae), Labcorp
Classification: Uncertain significance. Last evaluated: 2025-08-17. Review status: criteria provided, single submitter. Criteria: Invitae Variant Classification Sherloc (09022015). Collection method: clinical testing. Allele origin: germline.
Comment: This sequence change replaces leucine, which is neutral and non-polar, with proline, which is neutral and non-polar, at codon 126 of the LRRC10 protein (p.Leu126Pro). This variant is not present in population databases (gnomAD no frequency). This variant has not been reported in the literature in individuals affected with LRRC10-related conditions. An algorithm developed to predict the effect of missense changes on protein structure and function (PolyPhen-2) suggests that this variant is likely to be disruptive. In summary, the available evidence is currently insufficient to determine the role of this variant in disease. Therefore, it has been classified as a Variant of Uncertain Significance.